The following is an entry in ClinVar:

NM_004341.5(CAD):c.4614G>A (p.Ser1538=)

Gene: CAD (carbamoyl-phosphate synthetase 2, aspartate transcarbamylase, and dihydroorotase; plus strand). Cytogenetic location: 2p23.3.
Variant type: single nucleotide variant.
Coding change: c.4614G>A on transcript NM_004341.5 (MANE Select); coding-DNA position 4614, G replaced by A.
Protein change: p.Ser1538=; no amino-acid change (serine 1538 retained).
Molecular consequence: synonymous variant.
Genome position (GRCh38, 1-based): chr2:27,237,768, G>A. VCF-style: chr2-27237768-G-A. GRCh37 (hg19) VCF-style: chr2-27460636-G-A.
Other names: c.4425G>A, p.Ser1475= (NM_001306079.2); c.4614G>A (NM_004341.4).
Identifiers: ClinVar variation 1634484 (VCV001634484.10), dbSNP rs371380215, ClinGen allele CA1573594.
Genomic context (GRCh38, chr2:27,237,768, plus strand): 5'-TCCTCTCCAGCTGGCAGAGGCTGGCGCCCGGTGCGACTTTGCGCTATTCCTTGGGGCCTC[G>A]TCTGAAAATGCAGGAACCTTGGGCACCGTGGCCGGGTCTGCAGCCGGGCTGAAGCTTTAC-3'
Protein context (NP_004332.2, residues 1528-1548): RCDFALFLGA[Ser1538=]SENAGTLGTV

ClinVar aggregate classification (germline): Likely benign. Review status: criteria provided, multiple submitters, no conflicts (2 of 4 stars). 3 submissions from 3 submitters: Likely benign (2). 1 of the submissions does not count toward it. Last evaluated 2026-01-12.

Conditions:
CAD-related disorder. Also called: CAD-related condition.

Allele frequency attached by ClinVar (database versions not stated): gnomAD exomes 0.00001; ExAC 0.00002; ESP Exome Variant Server 0.00008.
gnomAD v4.1: 20 of 1,614,078 alleles (0.0012%); highest among the groups gnomAD compares: African/African-American, 0.0027%; no homozygotes.

Submissions (3):

Labcorp Genetics (formerly Invitae), Labcorp
Classification: Likely benign. Last evaluated: 2026-01-12. Review status: criteria provided, single submitter. Criteria: Invitae Variant Classification Sherloc (09022015). Collection method: clinical testing. Allele origin: germline.

Blueprint Genetics
Classification: Likely benign. Last evaluated: 2024-10-14. Review status: criteria provided, single submitter. Criteria: ACMG Guidelines, 2015. Collection method: clinical testing. Allele origin: germline.

PreventionGenetics, part of Exact Sciences
Classification: Likely benign for CAD-related condition. Last evaluated: 2019-08-29. Review status: no assertion criteria provided. Collection method: clinical testing. Allele origin: germline. Not counted in ClinVar's aggregate classification.
Comment: This variant is classified as likely benign based on ACMG/AMP sequence variant interpretation guidelines (Richards et al. 2015 PMID: 25741868, with internal and published modifications).